The following is an entry in ClinVar:

NM_005902.4(SMAD3):c.814G>A (p.Gly272Arg)

Gene: SMAD3 (SMAD family member 3; plus strand). Cytogenetic location: 15q22.33.
Variant type: single nucleotide variant.
Coding change: c.814G>A on transcript NM_005902.4 (MANE Select); coding-DNA position 814, G replaced by A.
Protein change: p.Gly272Arg; replaces glycine 272 with arginine.
Molecular consequence: missense variant.
Genome position (GRCh38, 1-based): chr15:67,181,396, G>A. VCF-style: chr15-67181396-G-A. GRCh37 (hg19) VCF-style: chr15-67473734-G-A.
Other names: c.499G>A, p.Gly167Arg (NM_001145102.2); c.682G>A, p.Gly228Arg (NM_001145103.2); c.229G>A, p.Gly77Arg (NM_001145104.2); short protein forms G272R, G228R, G77R, G167R.
Identifiers: ClinVar variation 423411 (VCV000423411.4), dbSNP rs1057524127, ClinGen allele CA16619993.

ClinVar aggregate classification (germline): Uncertain significance. Review status: criteria provided, multiple submitters, no conflicts (2 of 4 stars). 2 submissions from 2 submitters: Uncertain significance (2). Last evaluated 2025-06-27.

Conditions:
Familial thoracic aortic aneurysm and aortic dissection (TAAD). Also called: Thoracic aortic aneurysms and dissections. Identifiers: Orphanet 91387, MedGen C4707243, MONDO:0019625.

Submissions (2):

Labcorp Genetics (formerly Invitae), Labcorp
Classification: Uncertain significance for Familial thoracic aortic aneurysm and aortic dissection. Last evaluated: 2025-06-27. Review status: criteria provided, single submitter. Criteria: Invitae Variant Classification Sherloc (09022015). Collection method: clinical testing. Allele origin: germline.
Comment: This sequence change replaces glycine, which is neutral and non-polar, with arginine, which is basic and polar, at codon 272 of the SMAD3 protein (p.Gly272Arg). This variant is not present in population databases (gnomAD no frequency). This variant has not been reported in the literature in individuals affected with SMAD3-related conditions. ClinVar contains an entry for this variant (Variation ID: 423411). Invitae Evidence Modeling of protein sequence and biophysical properties (such as structural, functional, and spatial information, amino acid conservation, physicochemical variation, residue mobility, and thermodynamic stability) indicates that this missense variant is expected to disrupt SMAD3 protein function with a positive predictive value of 80%. In summary, the available evidence is currently insufficient to determine the role of this variant in disease. Therefore, it has been classified as a Variant of Uncertain Significance.

GeneDx
Classification: Uncertain significance. Last evaluated: 2018-01-26. Review status: criteria provided, single submitter. Criteria: GeneDx Variant Classification (06012015). Collection method: clinical testing. Allele origin: germline. Affected: yes.
Comment: The G272R variant in the SMAD3 gene has not been reported previously as a pathogenic variant, nor as a benign variant, to our knowledge. The G272R variant is not observed in large population cohorts (Lek et al., 2016; 1000 Genomes Consortium et al., 2015; Exome Variant Server). The G272R variant is a non-conservative amino acid substitution, which is likely to impact secondary protein structure as these residues differ in polarity, charge, size and/or other properties. This substitution occurs at a position that is conserved across species, and in silico analysis predicts this variant is probably damaging to the protein structure/function. We interpret G272R as a variant of uncertain significance.